The following is an entry in ClinVar:

NM_002778.4(PSAP):c.1316del (p.Gly439fs)

Gene: PSAP (prosaposin; minus strand). Cytogenetic location: 10q22.1.
Variant type: Deletion.
Coding change: c.1316del on transcript NM_002778.4 (MANE Select); coding-DNA position 1316, one base deleted (G; older notation c.1316delG).
Protein change: p.Gly439fs; shifts the reading frame from glycine 439.
Molecular consequence: frameshift variant.
Genome position (GRCh38, 1-based): chr10:71,819,499, C deleted on the plus strand (G on the coding strand, the reverse complement: PSAP is on the minus strand); the first of 2 consecutive C bases (chr10:71,819,499-71,819,500); deleting either gives the same sequence. VCF-style (leftmost placement, unchanged base first): chr10-71819498-GC-G. GRCh37 (hg19) VCF-style: chr10-73579255-GC-G.
Other names: c.1325del, p.Gly442fs (NM_001042465.3); c.1322del, p.Gly441fs (NM_001042466.3); short protein forms G439fs, G441fs, G442fs.
Identifiers: ClinVar variation 452840 (VCV000452840.2), dbSNP rs1554879785, ClinGen allele CA658656074.

ClinVar aggregate classification (germline): Likely pathogenic (1 of 4 stars; one submission).

Submission:

GeneDx
Classification: Likely pathogenic. Last evaluated: 2017-10-10. Review status: criteria provided, single submitter. Criteria: GeneDx Variant Classification (06012015). Collection method: clinical testing. Allele origin: germline. Affected: yes.
Comment: The c.1316delG variant in the PSAP gene has not been reported previously as a pathogenic variant nor as a benign variant, to our knowledge. The c.1316delG variant causes a frameshift starting with codon Glycine 439, changes this amino acid to an Alanine residue, and creates a premature Stop codon at position 24 of the new reading frame, denoted p.Gly439AlafsX24. This variant is predicted to cause loss of normal protein function either through protein truncation or nonsense-mediated mRNA decay. The c.1316delG variant is not observed in large population cohorts (Lek et al., 2016). We interpret c.1316delG as a likely pathogenic variant.